The following is an entry in ClinVar:

NM_172364.5(CACNA2D4):c.1685G>T (p.Gly562Val)

Gene: CACNA2D4 (calcium voltage-gated channel auxiliary subunit alpha2delta 4; minus strand). Cytogenetic location: 12p13.33.
Variant type: single nucleotide variant.
Coding change: c.1685G>T on transcript NM_172364.5 (MANE Select); coding-DNA position 1685, G replaced by T.
Protein change: p.Gly562Val; replaces glycine 562 with valine.
Molecular consequence: missense variant.
Genome position (GRCh38, 1-based): chr12:1,878,349, C>A on the plus strand (G>T on the coding strand, the complement: CACNA2D4 is on the minus strand). VCF-style: chr12-1878349-C-A. GRCh37 (hg19) VCF-style: chr12-1987515-C-A.
Other names: short protein forms G562V.
Identifiers: ClinVar variation 3667394 (VCV003667394.2).
Genomic context (GRCh38, chr12:1,878,349, plus strand): 5'-CCAAGGCAAAGAAGATCTGTACCTACCAGGGGCCGGAGGTCGGGATGGGAGAGGATGTAG[C>A]CATTGTTGGTGTTCAGAAAGGCGTATCCGTGCACTCCAAGCTGCCAGAGTCCAGGGTGGA-3'
Protein context (NP_758952.4, residues 552-572): HGYAFLNTNN[Gly562Val]YILSHPDLRP

ClinVar aggregate classification (germline): Uncertain significance (1 of 4 stars; one submission).

gnomAD v4.1: 4 of 1,609,562 alleles (0.00025%); highest among the groups gnomAD compares: East Asian, 0.0045%; no homozygotes.

Submission:

Labcorp Genetics (formerly Invitae), Labcorp
Classification: Uncertain significance. Last evaluated: 2024-11-27. Review status: criteria provided, single submitter. Criteria: Invitae Variant Classification Sherloc (09022015). Collection method: clinical testing. Allele origin: germline.
Comment: This sequence change replaces glycine, which is neutral and non-polar, with valine, which is neutral and non-polar, at codon 562 of the CACNA2D4 protein (p.Gly562Val). This variant is not present in population databases (gnomAD no frequency). This variant has not been reported in the literature in individuals affected with CACNA2D4-related conditions. An algorithm developed to predict the effect of missense changes on protein structure and function (PolyPhen-2) suggests that this variant is likely to be disruptive. In summary, the available evidence is currently insufficient to determine the role of this variant in disease. Therefore, it has been classified as a Variant of Uncertain Significance.